The following is an entry in ClinVar:

NC_000013.10:g.(?_32944533)_(32945243_?)dup

Gene: BRCA2 (BRCA2 DNA repair associated; plus strand). Cytogenetic location: 13q13.1.
Variant type: Duplication.
Identifiers: ClinVar variation 531563 (VCV000531563.1).

ClinVar aggregate classification (germline): Likely pathogenic (1 of 4 stars; one submission).

Conditions:
Hereditary breast ovarian cancer syndrome. Also called: Hereditary breast and ovarian cancer syndrome (HBOC); BRCA1- and BRCA2-Associated Hereditary Breast and Ovarian Cancer; Hereditary breast and ovarian cancer syndrome; Breast and ovarian cancer; Hereditary breast and ovarian cancer; Hereditary breast and/or ovarian cancer syndrome. Identifiers: Orphanet 145, MedGen C0677776, MeSH D061325, MONDO:0003582. Disease mechanism: loss of function.

Submission:

Labcorp Genetics (formerly Invitae), Labcorp
Classification: Likely pathogenic for Hereditary breast ovarian cancer syndrome. Last evaluated: 2017-08-31. Review status: criteria provided, single submitter. Criteria: Invitae Variant Classification Sherloc (09022015). Collection method: clinical testing. Allele origin: germline.
Comment: This variant is a gross duplication of the genomic region encompassing exons 19-20 of the BRCA2 gene. While the exact position of the duplicated exons cannot be determined from this data, the duplicated copy of this region is likely in tandem and may result in an absent or disrupted protein product. Similar duplications of exons 19-20 have been reported in individuals with a personal and/or family history of breast and/or ovarian cancer (PMID: 16551709, 21120943). Sub-genic duplications are generally in tandem (PMID: 25640679), and result in an absent or disrupted protein. Loss-of-function variants in BRCA2 are known to be pathogenic (PMID: 20104584). In summary, the currently available evidence indicates that the variant is pathogenic, but additional data are needed to prove that conclusively. Therefore, this variant has been classified as Likely Pathogenic.

Literature cited by the submitters: PubMed 21120943; PubMed 16551709.